The following is an entry in ClinVar:

ClinVar aggregate classification (germline): Pathogenic (1 of 4 stars; one submission).

Conditions:
Epilepsy, familial adult myoclonic, 5 (EPEO5). Also called: CORTICAL MYOCLONIC TREMOR WITH EPILEPSY, FAMILIAL, 5. Identifiers: Orphanet 86814, MedGen C3809374, MONDO:0014167, OMIM 615400.

Submission:

Labcorp Genetics (formerly Invitae), Labcorp
Classification: Pathogenic for Epilepsy, familial adult myoclonic, 5. Last evaluated: 2023-10-09. Review status: criteria provided, single submitter. Criteria: Invitae Variant Classification Sherloc (09022015). Collection method: clinical testing. Allele origin: germline.
Comment: This sequence change creates a premature translational stop signal (p.Arg443Profs*41) in the CNTN2 gene. It is expected to result in an absent or disrupted protein product. Loss-of-function variants in CNTN2 are known to be pathogenic (PMID: 11178983, 23518707). This variant is not present in population databases (gnomAD no frequency). This variant has not been reported in the literature in individuals affected with CNTN2-related conditions. For these reasons, this variant has been classified as Pathogenic.

Literature cited by the submitters: PubMed 11178983; PubMed 23518707.

NM_005076.5(CNTN2):c.1327dup (p.Arg443fs)

Gene: CNTN2 (contactin 2; plus strand). Cytogenetic location: 1q32.1.
Variant type: Duplication.
Coding change: c.1327dup on transcript NM_005076.5 (MANE Select); coding-DNA position 1327, one base duplicated (C; older notation c.1327dupC).
Protein change: p.Arg443fs; shifts the reading frame from arginine 443.
Molecular consequence: frameshift variant. On other transcripts: non-coding transcript variant (1).
Genome position (GRCh38, 1-based): chr1:205,064,408, C duplicated; the last of 4 consecutive C bases (chr1:205,064,405-205,064,408); duplicating any one gives the same sequence. VCF-style (leftmost placement, unchanged base first): chr1-205064404-G-GC. GRCh37 (hg19) VCF-style: chr1-205033532-G-GC.
Other names: c.1327dup, p.Arg443fs (NM_001346083.2); short protein forms R443fs.
Identifiers: ClinVar variation 2767108 (VCV002767108.3), dbSNP rs2526381814, ClinGen allele CA2697554853.
Genomic context (GRCh38, chr1:205,064,404, plus strand): 5'-GAATCCCGTGAGGCGTCTGATCCCCGCGGCCCGCGGGGGAGAGATCCTTATCCCCTGCCA[G>GC]CCCCGGGCAGCTCCAAAGGCCGTGGTGCTCTGGAGCAAAGGCACGGAGATTTTGGTCAAC-3'